The following is an entry in ClinVar:

ClinVar aggregate classification (germline): Pathogenic. Review status: criteria provided, single submitter (1 of 4 stars). 2 submissions from 2 submitters: Pathogenic (1). 1 of the submissions does not count toward it. Last evaluated 2026-03-05.

Conditions:
Craniosynostosis 7 (CRS7). Also called: CRANIOSYNOSTOSIS 7, DIGENIC; CRS7, DIGENIC. Identifiers: MedGen C4479496, MONDO:0044315, OMIM 617439.
Aortic valve disease 2 (AOVD2). Identifiers: MedGen C3542024, MONDO:0013902, OMIM 614823.

Allele frequency attached by ClinVar (database versions not stated): TOPMed 0.00001; gnomAD exomes below 0.00001.
gnomAD v4.1: 4 of 1,574,560 alleles (0.00025%); highest among the groups gnomAD compares: African/African-American, 0.0014%; no homozygotes.

Submissions (2):

Mendelics
Classification: Pathogenic for Craniosynostosis 7. Last evaluated: 2026-03-05. Review status: criteria provided, single submitter. Criteria: ACMG Guidelines, 2015. Collection method: clinical testing. Allele origin: unknown.
Comment: Likely pathogenic/Pathogenic according to ACMG criteria.

OMIM
Classification: Pathogenic for AORTIC VALVE DISEASE 2. Last evaluated: 2012-04-01. Review status: no assertion criteria provided. Collection method: literature only. Allele origin: germline. Not counted in ClinVar's aggregate classification.

Literature cited by the submitters: PubMed 22275001 (cited by OMIM); PubMed 30848080 (cited by OMIM).

NM_005585.5(SMAD6):c.1451G>T (p.Cys484Phe)

Gene: SMAD6 (SMAD family member 6; plus strand). Cytogenetic location: 15q22.31.
Variant type: single nucleotide variant.
Coding change: c.1451G>T on transcript NM_005585.5 (MANE Select); coding-DNA position 1451, G replaced by T.
Protein change: p.Cys484Phe; replaces cysteine 484 with phenylalanine.
Molecular consequence: missense variant. On other transcripts: non-coding transcript variant (1).
Genome position (GRCh38, 1-based): chr15:66,781,495, G>T. VCF-style: chr15-66781495-G-T. GRCh37 (hg19) VCF-style: chr15-67073833-G-T.
Other names: short protein forms C484F.
Identifiers: ClinVar variation 37111 (VCV000037111.3), dbSNP rs387907283, ClinGen allele CA281907.